The following is an entry in ClinVar:

ClinVar aggregate classification (germline): Pathogenic. Review status: criteria provided, multiple submitters, no conflicts (2 of 4 stars). 3 submissions from 3 submitters: Pathogenic (2). 1 of the submissions does not count toward it. Last evaluated 2025-06-16.

Conditions:
Multiple congenital anomalies-hypotonia-seizures syndrome 1 (MCAHS1). Also called: GLYCOSYLPHOSPHATIDYLINOSITOL BIOSYNTHESIS DEFECT 3; PIGN-CDG; Congenital disorder of glycosylation due to PIGN deficiency. Identifiers: Orphanet 280633, MedGen C3279775, MONDO:0013563, OMIM 614080.

Allele frequency attached by ClinVar (database versions not stated): gnomAD 0.00001; gnomAD exomes 0.00001; TOPMed 0.00001.
gnomAD v4.1: 22 of 1,603,972 alleles (0.0014%); highest among the groups gnomAD compares: Admixed American, 0.0017%; no homozygotes.

Submissions (3):

Labcorp Genetics (formerly Invitae), Labcorp
Classification: Pathogenic for Multiple congenital anomalies-hypotonia-seizures syndrome 1. Last evaluated: 2025-06-16. Review status: criteria provided, single submitter. Criteria: Invitae Variant Classification Sherloc (09022015). Collection method: clinical testing. Allele origin: germline.
Comment: This sequence change creates a premature translational stop signal (p.Lys232*) in the PIGN gene. It is expected to result in an absent or disrupted protein product. Loss-of-function variants in PIGN are known to be pathogenic (PMID: 24253414, 27038415). This variant is present in population databases (no rsID available, gnomAD 0.003%). This premature translational stop signal has been observed in individual(s) with PIGN-related conditions (PMID: 27038415, 28327575, 32220244). ClinVar contains an entry for this variant (Variation ID: 264641). For these reasons, this variant has been classified as Pathogenic.

Fulgent Genetics
Classification: Pathogenic for Multiple congenital anomalies-hypotonia-seizures syndrome 1. Last evaluated: 2024-04-30. Review status: criteria provided, single submitter. Criteria: ACMG Guidelines, 2015. Collection method: clinical testing. Allele origin: germline.

OMIM
Classification: Pathogenic for MULTIPLE CONGENITAL ANOMALIES-HYPOTONIA-SEIZURES SYNDROME 1. Last evaluated: 2016-09-29. Review status: no assertion criteria provided. Collection method: literature only. Allele origin: germline. Not counted in ClinVar's aggregate classification.

Literature cited by the submitters: PubMed 24253414 (cited by Labcorp Genetics (formerly Invitae), Labcorp); PubMed 27038415 (cited by Labcorp Genetics (formerly Invitae), Labcorp and OMIM); PubMed 28327575 (cited by Labcorp Genetics (formerly Invitae), Labcorp); PubMed 32220244 (cited by Labcorp Genetics (formerly Invitae), Labcorp).

NM_176787.5(PIGN):c.694A>T (p.Lys232Ter)

Gene: PIGN (phosphatidylinositol glycan anchor biosynthesis class N; minus strand). Cytogenetic location: 18q21.33.
Variant type: single nucleotide variant.
Coding change: c.694A>T on transcript NM_176787.5 (MANE Select); coding-DNA position 694, A replaced by T.
Protein change: p.Lys232Ter; replaces lysine 232 with a stop codon.
Molecular consequence: nonsense.
Genome position (GRCh38, 1-based): chr18:62,147,082, T>A on the plus strand (A>T on the coding strand, the complement: PIGN is on the minus strand). VCF-style: chr18-62147082-T-A. GRCh37 (hg19) VCF-style: chr18-59814315-T-A.
Other names: c.694A>T, p.Lys232Ter (NM_012327.6); short protein forms K232*.
Identifiers: ClinVar variation 264641 (VCV000264641.8), dbSNP rs886039218, ClinGen allele CA10587987.